The following is an entry in ClinVar:

NM_017491.5(WDR1):c.508T>C (p.Cys170Arg)

Gene: WDR1 (WD repeat domain 1; minus strand). Cytogenetic location: 4p16.1.
Variant type: single nucleotide variant.
Coding change: c.508T>C on transcript NM_017491.5 (MANE Select); coding-DNA position 508, T replaced by C.
Protein change: p.Cys170Arg; replaces cysteine 170 with arginine.
Molecular consequence: missense variant. On other transcripts: intron variant (1).
Genome position (GRCh38, 1-based): chr4:10,097,761, A>G on the plus strand (T>C on the coding strand, the complement: WDR1 is on the minus strand). VCF-style: chr4-10097761-A-G. GRCh37 (hg19) VCF-style: chr4-10099385-A-G.
Other names: c.139-9020T>C (NM_005112.5); short protein forms C170R.
Identifiers: ClinVar variation 2112941 (VCV002112941.3), dbSNP rs2547370079, ClinGen allele CA356363143.

ClinVar aggregate classification (germline): Uncertain significance (1 of 4 stars; one submission).

Allele frequency attached by ClinVar (database versions not stated): gnomAD exomes below 0.00001.
gnomAD v4.1: 1 of 1,613,670 alleles (0.000062%); highest among the groups gnomAD compares: Non-Finnish European, 0.000085%; no homozygotes.

Submission:

Labcorp Genetics (formerly Invitae), Labcorp
Classification: Uncertain significance. Last evaluated: 2022-03-16. Review status: criteria provided, single submitter. Criteria: Invitae Variant Classification Sherloc (09022015). Collection method: clinical testing. Allele origin: germline.
Comment: This variant is not present in population databases (gnomAD no frequency). In summary, the available evidence is currently insufficient to determine the role of this variant in disease. Therefore, it has been classified as a Variant of Uncertain Significance. Algorithms developed to predict the effect of missense changes on protein structure and function (SIFT, PolyPhen-2, Align-GVGD) all suggest that this variant is likely to be tolerated. This variant has not been reported in the literature in individuals affected with WDR1-related conditions. This sequence change replaces cysteine, which is neutral and slightly polar, with arginine, which is basic and polar, at codon 170 of the WDR1 protein (p.Cys170Arg).